The following is an entry in ClinVar:

NM_000492.4(CFTR):c.1731C>A (p.Tyr577Ter)

Gene: CFTR (CF transmembrane conductance regulator; plus strand). Cytogenetic location: 7q31.2.
Variant type: single nucleotide variant.
Coding change: c.1731C>A on transcript NM_000492.4 (MANE Select); coding-DNA position 1731, C replaced by A.
Protein change: p.Tyr577Ter; replaces tyrosine 577 with a stop codon.
Molecular consequence: nonsense.
Genome position (GRCh38, 1-based): chr7:117,590,404, C>A. VCF-style: chr7-117590404-C-A. GRCh37 (hg19) VCF-style: chr7-117230458-C-A.
Other names: c.1731C>A (NM_000492.3); short protein forms Y577*.
Identifiers: ClinVar variation 983576 (VCV000983576.5), dbSNP rs55928397, ClinGen allele CA368977234.

ClinVar aggregate classification (germline): Pathogenic/Likely pathogenic. Review status: criteria provided, multiple submitters, no conflicts (2 of 4 stars). 3 submissions from 3 submitters: Pathogenic (2); Likely pathogenic (1). Last evaluated 2026-03-24.

Conditions:
CFTR-related disorder (CFTR-RD). Also called: CFTR-related disorders; CFTR-related condition. Identifiers: MedGen C5924204, MONDO:7770004.
Cystic fibrosis (CF). Also called: MUCOVISCIDOSIS. Identifiers: Orphanet 586, MedGen C0010674, MONDO:0009061, OMIM 219700. Disease mechanism: loss of function.

Submissions (3):

Women's Health and Genetics/Laboratory Corporation of America, LabCorp
Classification: Pathogenic for Cystic fibrosis. Last evaluated: 2026-03-24. Review status: criteria provided, single submitter. Criteria: LabCorp Variant Classification Summary - May 2015. Collection method: clinical testing. Allele origin: germline.
Comment: Variant summary: CFTR c.1731C>A (p.Tyr577X) results in a premature termination codon, predicted to cause a truncation of the encoded protein or absence of the protein due to nonsense mediated decay, which are commonly known mechanisms for disease. The variant was absent in 250308 control chromosomes. c.1731C>A has been observed in individual(s) affected with Cystic Fibrosis (example: Sachdeva_2012). The following publication has been ascertained in the context of this evaluation (PMID: 22299590). ClinVar contains an entry for this variant (Variation ID: 983576). Based on the evidence outlined above, the variant was classified as pathogenic.

Natera, Inc.
Classification: Pathogenic for CFTR-related disorders. Last evaluated: 2025-10-30. Review status: criteria provided, single submitter. Criteria: Natera Variant Classification Schema (03/2026). Collection method: clinical testing. Allele origin: germline.
Comment: The c.1731C>A variant in CFTR is a nonsense variant predicted to introduce a stop codon at amino acid 577. This variant is expected to result in nonsense mediated decay, truncation, or a dysfunctional protein product. This variant is rare in the general population with a frequency below the threshold expected for the associated phenotype(s). This variant has been observed in one or more individuals affected with the associated recessive disease, as either homozygous or compound heterozygous with a second variant (PMID: 22299590). Given the available evidence, this variant is classified as Pathogenic.

Myriad Genetics, Inc.
Classification: Likely pathogenic for Cystic fibrosis. Last evaluated: 2019-11-20. Review status: criteria provided, single submitter. Criteria: Myriad Women's Health Autosomal Recessive and X-Linked Classification Criteria (2019). Collection method: clinical testing. Allele origin: unknown.
Comment: NM_000492.3(CFTR):c.1731C>A(Y577*) is expected to be pathogenic in the context of cystic fibrosis. This variant is predicted to lead to an abnormal or absent protein product due to the creation of a premature termination codon in CFTR, a gene where loss-of-function variants are known to be pathogenic. Please note: this variant was assessed in the context of healthy population screening.

Literature cited by the submitters: PubMed 22299590 (cited by Women's Health and Genetics/Laboratory Corporation of America, LabCorp and Natera, Inc.).